The following is an entry in ClinVar:

ClinVar aggregate classification (germline): Uncertain significance (1 of 4 stars; one submission).

Conditions:
Hereditary cancer-predisposing syndrome. Also called: Neoplastic Syndromes, Hereditary; Tumor predisposition; Hereditary neoplastic syndrome; Hereditary Cancer Syndrome. Identifiers: Orphanet 140162, MedGen C0027672, MeSH D009386, MONDO:0015356.

Submission:

Ambry Genetics
Classification: Uncertain significance for Hereditary cancer-predisposing syndrome. Last evaluated: 2023-12-13. Review status: criteria provided, single submitter. Criteria: Ambry Variant Classification Scheme 2023. Collection method: clinical testing. Allele origin: germline.
Comment: The p.E491A variant (also known as c.1472A>C), located in coding exon 9 of the MEN1 gene, results from an A to C substitution at nucleotide position 1472. The glutamic acid at codon 491 is replaced by alanine, an amino acid with dissimilar properties. This amino acid position is conserved. In addition, the in silico prediction for this alteration is inconclusive. Since supporting evidence is limited at this time, the clinical significance of this alteration remains unclear.

NM_001370259.2(MEN1):c.1472A>C (p.Glu491Ala)

Gene: MEN1 (menin 1; minus strand). Cytogenetic location: 11q13.1.
Variant type: single nucleotide variant.
Coding change: c.1472A>C on transcript NM_001370259.2 (MANE Select); coding-DNA position 1472, A replaced by C.
Protein change: p.Glu491Ala; replaces glutamic acid 491 with alanine.
Molecular consequence: missense variant. On other transcripts: non-coding transcript variant (4).
Genome position (GRCh38, 1-based): chr11:64,804,695, T>G on the plus strand (A>C on the coding strand, the complement: MEN1 is on the minus strand). VCF-style: chr11-64804695-T-G. GRCh37 (hg19) VCF-style: chr11-64572167-T-G.
Other names: c.1472A>C, p.Glu491Ala (NM_001370260.2, NM_001370261.2, NM_001407146.1 and 2 more transcripts); c.1367A>C, p.Glu456Ala (NM_001370262.2, NM_001370263.2, NM_001407148.1 and 1 more transcripts); c.1598A>C, p.Glu533Ala (NM_001407142.1, NM_001407143.1, NM_001407144.1 and 1 more transcripts); c.1487A>C, p.Glu496Ala (NM_001407145.1, NM_130800.3, NM_130801.3 and 4 more transcripts); c.1613A>C, p.Glu538Ala (NM_001407150.1); c.1493A>C, p.Glu498Ala (NM_001407151.1); c.1307A>C, p.Glu436Ala (NM_001407152.1); short protein forms E436A, E456A, E491A, E496A, E498A, E533A, E538A.
Identifiers: ClinVar variation 3229063 (VCV003229063.1), dbSNP rs2136088577, ClinGen allele CA381179095.